The following is an entry in ClinVar:

NM_000465.4(BARD1):c.176A>C (p.Glu59Ala)

Gene: BARD1 (BRCA1 associated RING domain 1; minus strand). Cytogenetic location: 2q35.
Variant type: single nucleotide variant.
Coding change: c.176A>C on transcript NM_000465.4 (MANE Select); coding-DNA position 176, A replaced by C.
Protein change: p.Glu59Ala; replaces glutamic acid 59 with alanine.
Molecular consequence: missense variant. On other transcripts: non-coding transcript variant (2), intron variant (2).
Genome position (GRCh38, 1-based): chr2:214,797,100, T>G on the plus strand (A>C on the coding strand, the complement: BARD1 is on the minus strand). VCF-style: chr2-214797100-T-G. GRCh37 (hg19) VCF-style: chr2-215661824-T-G.
Other names: c.176A>C, p.Glu59Ala (NM_001282545.2, NM_001282549.2); c.158+12312A>C (NM_001282548.2); c.159-4655A>C (NM_001282543.2); short protein forms E59A.
Identifiers: ClinVar variation 1054397 (VCV001054397.10), dbSNP rs2106145710, ClinGen allele CA350462294.

ClinVar aggregate classification (germline): Uncertain significance (1 of 4 stars; one submission).

Conditions:
Familial cancer of breast. Also called: BREAST CANCER, FAMILIAL; Hereditary breast cancer; hereditary breast carcinoma. Identifiers: Orphanet 227535, MedGen C0346153, MONDO:0016419, OMIM 114480. Disease mechanism: loss of function.

Submission:

Labcorp Genetics (formerly Invitae), Labcorp
Classification: Uncertain significance for Familial cancer of breast. Last evaluated: 2020-06-11. Review status: criteria provided, single submitter. Criteria: Invitae Variant Classification Sherloc (09022015). Collection method: clinical testing. Allele origin: germline.
Comment: This variant has not been reported in the literature in individuals with BARD1-related conditions. In summary, the available evidence is currently insufficient to determine the role of this variant in disease. Therefore, it has been classified as a Variant of Uncertain Significance. Algorithms developed to predict the effect of missense changes on protein structure and function are either unavailable or do not agree on the potential impact of this missense change (SIFT: "Deleterious"; PolyPhen-2: "Benign"; Align-GVGD: "Class C25"). This variant is not present in population databases (ExAC no frequency). This sequence change replaces glutamic acid with alanine at codon 59 of the BARD1 protein (p.Glu59Ala). The glutamic acid residue is highly conserved and there is a moderate physicochemical difference between glutamic acid and alanine.